The following is an entry in ClinVar:

NM_004064.5(CDKN1B):c.-7G>A

Gene: CDKN1B (cyclin dependent kinase inhibitor 1B; plus strand). Cytogenetic location: 12p13.1.
Variant type: single nucleotide variant.
Coding change: c.-7G>A on transcript NM_004064.5 (MANE Select); 7 bases upstream of the start codon, G replaced by A.
Molecular consequence: 5 prime UTR variant.
Genome position (GRCh38, 1-based): chr12:12,717,833, G>A. VCF-style: chr12-12717833-G-A. GRCh37 (hg19) VCF-style: chr12-12870767-G-A.
Identifiers: ClinVar variation 1692756 (VCV001692756.8), dbSNP rs751341214, ClinGen allele CA6457355.

ClinVar aggregate classification (germline): Conflicting classifications of pathogenicity. Review status: criteria provided, conflicting classifications (1 of 4 stars). 5 submissions from 5 submitters: Uncertain significance (1); Benign (3); Likely benign (1). Last evaluated 2026-01-31.

Conditions:
Hereditary cancer-predisposing syndrome. Also called: Neoplastic Syndromes, Hereditary; Hereditary neoplastic syndrome; Hereditary Cancer Syndrome; Tumor predisposition. Identifiers: Orphanet 140162, MedGen C0027672, MeSH D009386, MONDO:0015356.
CDKN1B-related disorder. Also called: CDKN1B-related condition.
Multiple endocrine neoplasia type 4. Also called: MULTIPLE ENDOCRINE NEOPLASIA, TYPE IV. Identifiers: Orphanet 276152, MedGen C1970712, MONDO:0012552, OMIM 610755.

Allele frequency attached by ClinVar (database versions not stated): TOPMed 0.00014.

Submissions (5):

Labcorp Genetics (formerly Invitae), Labcorp
Classification: Benign for Multiple endocrine neoplasia type 4. Last evaluated: 2026-01-31. Review status: criteria provided, single submitter. Criteria: Invitae Variant Classification Sherloc (09022015). Collection method: clinical testing. Allele origin: germline.

PreventionGenetics, part of Exact Sciences
Classification: Likely benign for CDKN1B-related condition. Last evaluated: 2025-02-27. Review status: criteria provided, single submitter. Criteria: ACMG Guidelines, 2015. Collection method: clinical testing. Allele origin: germline.
Comment: This variant is classified as likely benign based on ACMG/AMP sequence variant interpretation guidelines (Richards et al. 2015 PMID: 25741868, with internal and published modifications).

GeneDx
Classification: Uncertain significance. Last evaluated: 2023-09-12. Review status: criteria provided, single submitter. Criteria: GeneDx Variant Classification Process June 2021. Collection method: clinical testing. Allele origin: germline.
Comment: Has not been previously published as pathogenic or benign to our knowledge

Quest Diagnostics Nichols Institute San Juan Capistrano
Classification: Benign. Last evaluated: 2022-10-18. Review status: criteria provided, single submitter. Criteria: Quest Diagnostics criteria. Collection method: clinical testing. Allele origin: unknown.

Sema4
Classification: Benign for Hereditary cancer-predisposing syndrome. Last evaluated: 2021-11-26. Review status: criteria provided, single submitter. Criteria: Sema4 Curation Guidelines. Collection method: curation. Allele origin: germline.